The following is an entry in ClinVar:

NM_000494.4(COL17A1):c.2000A>G (p.Lys667Arg)

Gene: COL17A1 (collagen type XVII alpha 1 chain; minus strand). Cytogenetic location: 10q25.1.
Variant type: single nucleotide variant.
Coding change: c.2000A>G on transcript NM_000494.4 (MANE Select); coding-DNA position 2000, A replaced by G.
Protein change: p.Lys667Arg; replaces lysine 667 with arginine.
Molecular consequence: missense variant.
Genome position (GRCh38, 1-based): chr10:104,052,157, T>C on the plus strand (A>G on the coding strand, the complement: COL17A1 is on the minus strand). VCF-style: chr10-104052157-T-C. GRCh37 (hg19) VCF-style: chr10-105811915-T-C.
Other names: c.2000A>G, p.Lys667Arg (LRG_1249t1); short protein forms K667R.
Identifiers: ClinVar variation 298722 (VCV000298722.8), dbSNP rs534396548, ClinGen allele CA5678772.
Genomic context (GRCh38, chr10:104,052,157, plus strand): 5'-TCCTGAATGTGGCTTCTCCTCTGGAAAACTTTGATTCCTTCCTGCACACTGGACTTACCT[T>C]TGGGACCCACAGAACCTGGGACACCAGGTGGGCCATGAGGACCTGGTTCACCAGCAGCCC-3'
Protein context (NP_000485.3, residues 657-677): PPGVPGSVGP[Lys667Arg]GSSGSPGPQG

ClinVar aggregate classification (germline): Likely benign. Review status: criteria provided, multiple submitters, no conflicts (2 of 4 stars). 2 submissions from 2 submitters: Likely benign (2). Last evaluated 2026-01-24.

Conditions:
Junctional epidermolysis bullosa, non-Herlitz type. Also called: EPIDERMOLYSIS BULLOSA JUNCTIONALIS, DISENTIS TYPE; EPIDERMOLYSIS BULLOSA JUNCTIONALIS, NON-HERLITZ TYPE; EPIDERMOLYSIS BULLOSA JUNCTIONALIS, PROGRESSIVE; EPIDERMOLYSIS BULLOSA JUNCTIONALIS, SEVERE NONLETHAL; Adult junctional epidermolysis bullosa; Epidermolysis bullosa, junctional, non-herlitz type, somatic mosaic revertant. Identifiers: Orphanet 251393, Orphanet 79402, Orphanet 79405, Orphanet 89840, MedGen C0268374, MONDO:0009180, OMIM 226650.

Allele frequency attached by ClinVar (database versions not stated): gnomAD exomes 0.00006 and 0.00034; gnomAD 0.00013 and 0.00014; TOPMed 0.00014; ExAC 0.00032; 1000 Genomes Project 30x 0.00047; 1000 Genomes Project 0.00060.
gnomAD v4.1: 105 of 1,614,096 alleles (0.0065%); highest among the groups gnomAD compares: East Asian, 0.22%; 1 homozygote.

Submissions (2):

Labcorp Genetics (formerly Invitae), Labcorp
Classification: Likely benign. Last evaluated: 2026-01-24. Review status: criteria provided, single submitter. Criteria: Invitae Variant Classification Sherloc (09022015). Collection method: clinical testing. Allele origin: germline.

Illumina Laboratory Services, Illumina
Classification: Likely benign for Junctional epidermolysis bullosa, non-Herlitz type. Last evaluated: 2018-01-12. Review status: criteria provided, single submitter. Criteria: ICSL Variant Classification Criteria 13 December 2019. Collection method: clinical testing. Allele origin: germline.
Comment: This variant was observed in the ICSL laboratory as part of a predisposition screen in an ostensibly healthy population. It had not been previously curated by ICSL or reported in the Human Gene Mutation Database (HGMD: prior to June 1st, 2018), and was therefore a candidate for classification through an automated scoring system. Utilizing variant allele frequency, disease prevalence and penetrance estimates, and inheritance mode, an automated score was calculated to assess if this variant is too frequent to cause the disease. Based on the score and internal cut-off values, a variant classified as likely benign is not then subjected to further curation. The score for this variant resulted in a classification of likely benign for this disease.